The following is an entry in ClinVar:

NM_001244008.2(KIF1A):c.714G>A (p.Thr238=)

Gene: KIF1A (kinesin family member 1A; minus strand). Cytogenetic location: 2q37.3.
Variant type: single nucleotide variant.
Coding change: c.714G>A on transcript NM_001244008.2 (MANE Select); coding-DNA position 714, G replaced by A.
Protein change: p.Thr238=; no amino-acid change (threonine 238 retained).
Molecular consequence: synonymous variant.
Genome position (GRCh38, 1-based): chr2:240,784,995, C>T on the plus strand (G>A on the coding strand, the complement: KIF1A is on the minus strand). VCF-style: chr2-240784995-C-T. GRCh37 (hg19) VCF-style: chr2-241724412-C-T.
Other names: c.714G>A, p.Thr238= (NM_001379641.1, NM_001379642.1, NM_001379645.1 and 20 more transcripts); c.714G>A (NM_001244008.1).
Identifiers: ClinVar variation 335279 (VCV000335279.23), dbSNP rs201970806, ClinGen allele CA2208697.

ClinVar aggregate classification (germline): Conflicting classifications of pathogenicity. Review status: criteria provided, conflicting classifications (1 of 4 stars). 6 submissions from 6 submitters: Uncertain significance (1); Likely benign (5). Last evaluated 2026-08-04.

Conditions:
Hereditary spastic paraplegia 30. Identifiers: Orphanet 101010, MedGen C5235139, MONDO:0012476.
Neuropathy, hereditary sensory, type 2C. Also called: KIF1A-Related HSAN2 (HSAN2C); Hereditary sensory and autonomic neuropathy type IIC. Identifiers: Orphanet 970, MedGen C3280168, MONDO:0013634, OMIM 614213.
Intellectual disability, autosomal dominant 9 (NESCAVS). Also called: NESCAV SYNDROME; KIF1A-Related Neurodevelopmental Disorder. Identifiers: Orphanet 662367, MedGen C5393830, MONDO:0013656, OMIM 614255.
KIF1A-related disorder. Also called: KIF1A-related disorders; KIF1A-related condition.

Allele frequency attached by ClinVar (database versions not stated): gnomAD exomes 0.00005 and 0.00024; gnomAD 0.00013 and 0.00019; ESP Exome Variant Server 0.00015; TOPMed 0.00017; ExAC 0.00023; 1000 Genomes Project 0.00100; 1000 Genomes Project 30x 0.00141.
gnomAD v4.1: 117 of 1,612,360 alleles (0.0073%); highest among the groups gnomAD compares: East Asian, 0.14%; 1 homozygote.

Submissions (6):

PreventionGenetics, part of Exact Sciences
Classification: Likely benign for KIF1A-related condition. Last evaluated: 2026-08-04. Review status: criteria provided, single submitter. Criteria: ACMG Guidelines, 2015. Collection method: clinical testing. Allele origin: germline.
Comment: This variant is classified as likely benign based on ACMG/AMP sequence variant interpretation guidelines (Richards et al. 2015 PMID: 25741868, with internal and published modifications).

Labcorp Genetics (formerly Invitae), Labcorp
Classification: Likely benign for Hereditary spastic paraplegia 30; Neuropathy, hereditary sensory, type 2C; Intellectual disability, autosomal dominant 9. Last evaluated: 2026-01-26. Review status: criteria provided, single submitter. Criteria: Invitae Variant Classification Sherloc (09022015). Collection method: clinical testing. Allele origin: germline.

Blueprint Genetics
Classification: Likely benign. Last evaluated: 2024-06-13. Review status: criteria provided, single submitter. Criteria: ACMG Guidelines, 2015. Collection method: clinical testing. Allele origin: germline.

GeneDx
Classification: Likely benign. Last evaluated: 2020-05-04. Review status: criteria provided, single submitter. Criteria: GeneDx Variant Classification Process June 2021. Collection method: clinical testing. Allele origin: germline. Affected: yes.

Illumina Laboratory Services, Illumina
Classification: Uncertain significance for Spastic paraplegia 30A, autosomal dominant. Last evaluated: 2018-01-12. Review status: criteria provided, single submitter. Criteria: ICSL Variant Classification Criteria 13 December 2019. Collection method: clinical testing. Allele origin: germline.

Genetic Services Laboratory, University of Chicago
Classification: Likely benign. Last evaluated: 2017-02-23. Review status: criteria provided, single submitter. Criteria: ACMG Guidelines, 2015. Collection method: clinical testing. Allele origin: germline. Affected: no.